The following is an entry in ClinVar:

ClinVar aggregate classification (germline): Likely benign. Review status: criteria provided, single submitter (1 of 4 stars). 2 submissions from 2 submitters: Likely benign (1). 1 of the submissions does not count toward it. Last evaluated 2024-12-09.

Conditions:
FAM20C-related disorder. Also called: FAM20C-related condition.

Allele frequency attached by ClinVar (database versions not stated): gnomAD exomes 0.00006; gnomAD 0.00008; TOPMed 0.00008; ExAC 0.00016.
gnomAD v4.1: 101 of 1,602,722 alleles (0.0063%); highest among the groups gnomAD compares: East Asian, 0.057%; no homozygotes.

Submissions (2):

Labcorp Genetics (formerly Invitae), Labcorp
Classification: Likely benign. Last evaluated: 2024-12-09. Review status: criteria provided, single submitter. Criteria: Invitae Variant Classification Sherloc (09022015). Collection method: clinical testing. Allele origin: germline.

PreventionGenetics, part of Exact Sciences
Classification: Likely benign for FAM20C-related condition. Last evaluated: 2021-12-23. Review status: no assertion criteria provided. Collection method: clinical testing. Allele origin: germline. Not counted in ClinVar's aggregate classification.
Comment: This variant is classified as likely benign based on ACMG/AMP sequence variant interpretation guidelines (Richards et al. 2015 PMID: 25741868, with internal and published modifications).

NM_020223.4(FAM20C):c.654G>A (p.Ala218=)

Gene: FAM20C (FAM20C golgi associated secretory pathway kinase; plus strand). Cytogenetic location: 7p22.3.
Variant type: single nucleotide variant.
Coding change: c.654G>A on transcript NM_020223.4 (MANE Select); coding-DNA position 654, G replaced by A.
Protein change: p.Ala218=; no amino-acid change (alanine 218 retained).
Molecular consequence: synonymous variant.
Genome position (GRCh38, 1-based): chr7:195,602, G>A. VCF-style: chr7-195602-G-A. GRCh37 (hg19) VCF-style: chr7-195602-G-A.
Other names: c.654G>A (NM_020223.3).
Identifiers: ClinVar variation 2197973 (VCV002197973.6), dbSNP rs749129743, ClinGen allele CA4108960.
Genomic context (GRCh38, chr7:195,602, plus strand): 5'-TGCTCCCTGCAGGCCGCATGCGGGTGCTGAAGGTGCAGAATTCCTCTCCCCCGGGGAGGC[G>A]GCCGTGGACTCCTATCCCAACTGGCTCAAGTTCCACATTGGTATCAACCGGTACGAGCTG-3'
Protein context (NP_064608.2, residues 208-228): EGAEFLSPGE[Ala218=]AVDSYPNWLK